The following is an entry in ClinVar:

ClinVar aggregate classification (germline): Uncertain significance (1 of 4 stars; one submission).

Conditions:
Autosomal dominant nocturnal frontal lobe epilepsy 5. Also called: CILIARY DYSKINESIA, PRIMARY, 28, WITHOUT SITUS INVERSUS; CILIARY DYSKINESIA, PRIMARY, 28, WITH SITUS INVERSUS; KCNT1-Related Epilepsy; Epilepsy, nocturnal frontal lobe, 5. Identifiers: Orphanet 98784, MedGen C3554306, MONDO:0014002, OMIM 615005.
Developmental and epileptic encephalopathy, 14 (DEE14). Also called: Early infantile epileptic encephalopathy 14. Identifiers: Orphanet 293181, MedGen C3554195, MONDO:0013989, OMIM 614959.

Submission:

Labcorp Genetics (formerly Invitae), Labcorp
Classification: Uncertain significance for Autosomal dominant nocturnal frontal lobe epilepsy 5; Developmental and epileptic encephalopathy, 14. Last evaluated: 2025-04-27. Review status: criteria provided, single submitter. Criteria: Invitae Variant Classification Sherloc (09022015). Collection method: clinical testing. Allele origin: germline.
Comment: This sequence change replaces isoleucine, which is neutral and non-polar, with phenylalanine, which is neutral and non-polar, at codon 875 of the KCNT1 protein (p.Ile875Phe). This variant is not present in population databases (gnomAD no frequency). This variant has not been reported in the literature in individuals affected with KCNT1-related conditions. Invitae Evidence Modeling of protein sequence and biophysical properties (such as structural, functional, and spatial information, amino acid conservation, physicochemical variation, residue mobility, and thermodynamic stability) indicates that this missense variant is not expected to disrupt KCNT1 protein function with a negative predictive value of 80%. In summary, the available evidence is currently insufficient to determine the role of this variant in disease. Therefore, it has been classified as a Variant of Uncertain Significance.

NM_020822.3(KCNT1):c.2623A>T (p.Ile875Phe)

Gene: KCNT1 (potassium sodium-activated channel subfamily T member 1; plus strand). Cytogenetic location: 9q34.3.
Variant type: single nucleotide variant.
Coding change: c.2623A>T on transcript NM_020822.3 (MANE Select); coding-DNA position 2623, A replaced by T.
Protein change: p.Ile875Phe; replaces isoleucine 875 with phenylalanine.
Molecular consequence: missense variant.
Genome position (GRCh38, 1-based): chr9:135,778,716, A>T. VCF-style: chr9-135778716-A-T. GRCh37 (hg19) VCF-style: chr9-138670562-A-T.
Other names: c.2488A>T, p.Ile830Phe (NM_001272003.2); short protein forms I830F, I875F.
Identifiers: ClinVar variation 4783014 (VCV004783014.1).